The following is an entry in ClinVar:

ClinVar aggregate classification (germline): Likely pathogenic (1 of 4 stars; one submission).

Conditions:
VPS13A-related neurodegenerative disease. Also called: LEVINE-CRITCHLEY SYNDROME; Choreoacanthocytosis; Chorea-acanthocytosis; ACANTHOCYTOSIS WITH NEUROLOGIC DISORDER; VPS13A Disease; Choreaacanthocytosis. Identifiers: Orphanet 2388, MedGen C0393576, MONDO:0008695, OMIM 200150.

Submission:

Natera, Inc.
Classification: Likely pathogenic for Choreaacanthocytosis. Last evaluated: 2025-08-31. Review status: criteria provided, single submitter. Criteria: Natera Variant Classification Schema (03/2026). Collection method: clinical testing. Allele origin: germline.
Comment: The c.4165_4166del variant in VPS13A is a frameshift variant predicted to shift the reading frame beginning at codon 1389 and leads to a stop codon 2 codons downstream. This variant is expected to result in nonsense mediated decay, truncation, or a dysfunctional protein product. This variant is rare in the general population with a frequency below the threshold expected for the associated phenotype(s). Given the available evidence, this variant is classified as Likely Pathogenic.

NM_033305.3(VPS13A):c.4165_4166del (p.Leu1389fs)

Gene: VPS13A (vacuolar protein sorting 13 homolog A; plus strand). Cytogenetic location: 9q21.2.
Variant type: Deletion.
Coding change: c.4165_4166del on transcript NM_033305.3 (MANE Select); coding-DNA positions 4165 to 4166, 2 bases deleted (CT; older notation c.4165_4166delCT).
Protein change: p.Leu1389fs; shifts the reading frame from leucine 1389.
Molecular consequence: frameshift variant.
Genome position (GRCh38, 1-based): chr9:77,314,042-77,314,043, CT deleted. VCF-style (leftmost placement, unchanged base first): chr9-77314041-ACT-A. GRCh37 (hg19) VCF-style: chr9-79928957-ACT-A.
Other names: c.4048_4049del, p.Leu1350fs (NM_001018037.2); c.4165_4166del, p.Leu1389fs (NM_001018038.3, NM_015186.4); short protein forms L1350fs, L1389fs.
Identifiers: ClinVar variation 4816400 (VCV004816400.1).